The following is an entry in ClinVar:

NM_001182.5(ALDH7A1):c.1574A>G (p.Asn525Ser)

Gene: ALDH7A1 (aldehyde dehydrogenase 7 family member A1; minus strand). Cytogenetic location: 5q23.2.
Variant type: single nucleotide variant.
Coding change: c.1574A>G on transcript NM_001182.5 (MANE Select); coding-DNA position 1574, A replaced by G.
Protein change: p.Asn525Ser; replaces asparagine 525 with serine.
Molecular consequence: missense variant.
Genome position (GRCh38, 1-based): chr5:126,545,011, T>C on the plus strand (A>G on the coding strand, the complement: ALDH7A1 is on the minus strand). VCF-style: chr5-126545011-T-C. GRCh37 (hg19) VCF-style: chr5-125880703-T-C.
Other names: c.1490A>G, p.Asn497Ser (NM_001201377.2); c.1382A>G, p.Asn461Ser (NM_001202404.2); short protein forms N461S, N497S, N525S.
Identifiers: ClinVar variation 1810213 (VCV001810213.2), dbSNP rs754312564, ClinGen allele CA3389344.
Genomic context (GRCh38, chr5:126,545,011, plus strand): 5'-CATCTAAAACACCTTTACTGAAACTTGATTCCTTGGGCCAGAGGAAGGTCTTTACTGTAG[T>C]TGATAGTACTAGTGGGAAAAAATAACAGAATTAATGACAGTACATACATAACAGAAGATT-3'
Protein context (NP_001173.2, residues 515-535): QYMRRSTCTI[Asn525Ser]YSKDLPLAQG

ClinVar aggregate classification (germline): Likely pathogenic (1 of 4 stars; one submission).

Conditions:
Epilepsy. Also called: Seizure disorder. Identifiers: MedGen C0014544, MeSH D004827, MONDO:0005027.

Allele frequency attached by ClinVar (database versions not stated): gnomAD exomes below 0.00001; ExAC 0.00001.
gnomAD v4.1: 4 of 1,608,306 alleles (0.00025%); highest among the groups gnomAD compares: Non-Finnish European, 0.00034%; no homozygotes.

Submission:

Dubai Health Genomic Medicine Center, Dubai Health
Classification: Likely pathogenic for Epilepsy. Last evaluated: 2024-10-04. Review status: criteria provided, single submitter. Criteria: ACMG Guidelines, 2015. Collection method: research. Allele origin: germline. Affected: yes.
Comment: PM2, PP3, PM3, PP4